The following is an entry in ClinVar:

NM_006164.5(NFE2L2):c.1075C>T (p.His359Tyr)

Gene: NFE2L2 (NFE2 like bZIP transcription factor 2; minus strand). Cytogenetic location: 2q31.2.
Variant type: single nucleotide variant.
Coding change: c.1075C>T on transcript NM_006164.5 (MANE Select); coding-DNA position 1075, C replaced by T.
Protein change: p.His359Tyr; replaces histidine 359 with tyrosine.
Molecular consequence: missense variant.
Genome position (GRCh38, 1-based): chr2:177,231,528, G>A on the plus strand (C>T on the coding strand, the complement: NFE2L2 is on the minus strand). VCF-style: chr2-177231528-G-A. GRCh37 (hg19) VCF-style: chr2-178096256-G-A.
Other names: c.1027C>T, p.His343Tyr (NM_001145412.3, NM_001313900.1, NM_001313901.1); c.1006C>T, p.His336Tyr (NM_001145413.3); c.985C>T, p.His329Tyr (NM_001313902.2); c.856C>T, p.His286Tyr (NM_001313903.2); c.775C>T, p.His259Tyr (NM_001313904.1); c.1075C>T (NM_006164.3); short protein forms H286Y, H259Y, H336Y, H359Y, H329Y, H343Y.
Identifiers: ClinVar variation 2077872 (VCV002077872.6), dbSNP rs1689548886, ClinGen allele CA349372256.

ClinVar aggregate classification (germline): Uncertain significance. Review status: criteria provided, multiple submitters, no conflicts (2 of 4 stars). 3 submissions from 3 submitters: Uncertain significance (3). Last evaluated 2024-02-27.

Conditions:
Immunodeficiency, developmental delay, and hypohomocysteinemia. Identifiers: MedGen C4540293, MONDO:0060591, OMIM 617744.

Allele frequency attached by ClinVar (database versions not stated): TOPMed below 0.00001; gnomAD 0.00001.
gnomAD v4.1: 6 of 1,614,094 alleles (0.00037%); highest among the groups gnomAD compares: Non-Finnish European, 0.00042%; no homozygotes.

Submissions (3):

Ambry Genetics
Classification: Uncertain significance. Last evaluated: 2024-02-27. Review status: criteria provided, single submitter. Criteria: Ambry Variant Classification Scheme 2023. Collection method: clinical testing. Allele origin: germline.

Labcorp Genetics (formerly Invitae), Labcorp
Classification: Uncertain significance. Last evaluated: 2022-04-24. Review status: criteria provided, single submitter. Criteria: Invitae Variant Classification Sherloc (09022015). Collection method: clinical testing. Allele origin: germline.
Comment: In summary, the available evidence is currently insufficient to determine the role of this variant in disease. Therefore, it has been classified as a Variant of Uncertain Significance. Algorithms developed to predict the effect of missense changes on protein structure and function are either unavailable or do not agree on the potential impact of this missense change (SIFT: "Tolerated"; PolyPhen-2: "Possibly Damaging"; Align-GVGD: "Class C0"). This variant has not been reported in the literature in individuals affected with NFE2L2-related conditions. This variant is not present in population databases (gnomAD no frequency). This sequence change replaces histidine, which is basic and polar, with tyrosine, which is neutral and polar, at codon 359 of the NFE2L2 protein (p.His359Tyr).

Department of Pathology and Laboratory Medicine, Sinai Health System
Classification: Uncertain significance for immunodeficiency, developmental delay, and hypohomocysteinemia. Last evaluated: 2021-07-30. Review status: criteria provided, single submitter. Criteria: ACMG Guidelines, 2015. Collection method: research. Allele origin: germline.